The following is an entry in ClinVar:

ClinVar aggregate classification (germline): Uncertain significance (0 of 4 stars; one submission).

Conditions:
DYRK1B-related disorder. Also called: DYRK1B-related condition.

Submission:

PreventionGenetics, part of Exact Sciences
Classification: Uncertain significance for DYRK1B-related condition. Last evaluated: 2024-08-14. Review status: no assertion criteria provided. Collection method: clinical testing. Allele origin: germline.
Comment: The DYRK1B c.1697T>C variant is predicted to result in the amino acid substitution p.Val566Ala. To our knowledge, this variant has not been reported in the literature or in a large population database, indicating this variant is rare. At this time, the clinical significance of this variant is uncertain due to the absence of conclusive functional and genetic evidence.

NM_004714.3(DYRK1B):c.1697T>C (p.Val566Ala)

Gene: DYRK1B (dual specificity tyrosine phosphorylation regulated kinase 1B; minus strand). Cytogenetic location: 19q13.2.
Variant type: single nucleotide variant.
Coding change: c.1697T>C on transcript NM_004714.3 (MANE Select); coding-DNA position 1697, T replaced by C.
Protein change: p.Val566Ala; replaces valine 566 with alanine.
Molecular consequence: missense variant.
Genome position (GRCh38, 1-based): chr19:39,825,908, A>G on the plus strand (T>C on the coding strand, the complement: DYRK1B is on the minus strand). VCF-style: chr19-39825908-A-G. GRCh37 (hg19) VCF-style: chr19-40316548-A-G.
Other names: c.1577T>C, p.Val526Ala (NM_006483.3); c.1613T>C, p.Val538Ala (NM_006484.3); short protein forms V526A, V538A, V566A.
Identifiers: ClinVar variation 3347870 (VCV003347870.1).